The following is an entry in ClinVar:

NM_007294.4(BRCA1):c.5414A>G (p.His1805Arg)

Gene: BRCA1 (BRCA1 DNA repair associated; minus strand). Cytogenetic location: 17q21.31.
Variant type: single nucleotide variant.
Coding change: c.5414A>G on transcript NM_007294.4 (MANE Select); coding-DNA position 5414, A replaced by G.
Protein change: p.His1805Arg; replaces histidine 1805 with arginine.
Molecular consequence: missense variant. On other transcripts: synonymous variant (17).
Genome position (GRCh38, 1-based): chr17:43,047,696, T>C on the plus strand (A>G on the coding strand, the complement: BRCA1 is on the minus strand). VCF-style: chr17-43047696-T-C. GRCh37 (hg19) VCF-style: chr17-41199713-T-C.
Other names: c.5201A>G, p.His1734Arg (NM_001407571.1, NM_001407894.1, NM_001407895.1 and 12 more transcripts); c.5480A>G, p.His1827Arg (NM_001407581.1, NM_001407582.1); c.5477A>G, p.His1826Arg (NM_001407583.1, NM_001407585.1, NM_001407587.1 and 1 more transcripts); c.5474A>G, p.His1825Arg (NM_001407590.1, NM_001407591.1); c.5414A>G, p.His1805Arg (NM_001407593.1, NM_001407594.1, NM_001407596.1 and 5 more transcripts); c.5411A>G, p.His1804Arg (NM_001407610.1, NM_001407611.1, NM_001407612.1 and 14 more transcripts); c.5408A>G, p.His1803Arg (NM_001407627.1, NM_001407628.1, NM_001407629.1 and 13 more transcripts); c.5405A>G, p.His1802Arg (NM_001407644.1, NM_001407645.1); and 83 more; short protein forms H1805R, H701R, H1758R, H1826R, H1508R, H1636R, H1678R, H1692R.
Identifiers: ClinVar variation 867378 (VCV000867378.5), dbSNP rs397509281, ClinGen allele CA10590634.

ClinVar aggregate classification (germline): Uncertain significance (1 of 4 stars; one submission).

Conditions:
Hereditary breast ovarian cancer syndrome. Also called: Hereditary breast and/or ovarian cancer syndrome; BRCA1- and BRCA2-Associated Hereditary Breast and Ovarian Cancer; Hereditary breast and ovarian cancer syndrome; Hereditary breast and ovarian cancer; Hereditary breast and ovarian cancer syndrome (HBOC); Breast and ovarian cancer. Identifiers: Orphanet 145, MedGen C0677776, MeSH D061325, MONDO:0003582. Disease mechanism: loss of function.

Submissions (2):

Labcorp Genetics (formerly Invitae), Labcorp
Classification: Uncertain significance for Hereditary breast ovarian cancer syndrome. Last evaluated: 2024-02-09. Review status: criteria provided, single submitter. Criteria: Invitae Variant Classification Sherloc (09022015). Collection method: clinical testing. Allele origin: germline.
Comment: This sequence change replaces histidine, which is basic and polar, with arginine, which is basic and polar, at codon 1805 of the BRCA1 protein (p.His1805Arg). This variant is not present in population databases (gnomAD no frequency). This variant has not been reported in the literature in individuals affected with BRCA1-related conditions. ClinVar contains an entry for this variant (Variation ID: 867378). Advanced modeling performed at Invitae incorporating data from internal and/or published experimental studies (PMID: 30209399) indicates that this missense variant is not expected to disrupt BRCA1 function with a negative predictive value of 95%. In summary, the available evidence is currently insufficient to determine the role of this variant in disease. Therefore, it has been classified as a Variant of Uncertain Significance.

Brotman Baty Institute, University of Washington
No classification provided (evidence only). Condition: Breast-ovarian cancer, familial 1. Review status: no classification provided. Collection method: in vitro. Allele origin: not applicable. Functional consequence: functionally_normal. Not counted in ClinVar's aggregate classification.
ClinVar note: "not provided" was previously submitted as the classification for the variant. However, the classification appeared to be based only on an observation of functional data so it was converted to no classification on 2025-07-30.

Literature cited by the submitters: PubMed 30209399 (cited by Labcorp Genetics (formerly Invitae), Labcorp).